The following is an entry in ClinVar:

ClinVar aggregate classification (germline): Uncertain significance. Review status: criteria provided, multiple submitters, no conflicts (2 of 4 stars). 8 submissions from 8 submitters: Uncertain significance (8). Last evaluated 2025-12-01.

Conditions:
Treacher Collins syndrome 3 (TCS3). Also called: POLR1C-Related Treacher Collins Syndrome. Identifiers: Orphanet 861, MedGen C1855433, MONDO:0009558, OMIM 248390.
Leukodystrophy, hypomyelinating, 11. Identifiers: Orphanet 88637, MedGen C4225305, MONDO:0014666, OMIM 616494.
POLR1C-related disorder. Also called: POLR1C-related disorders; POLR1C-related condition. Identifiers: MedGen CN239394, MONDO:0700278.

Allele frequency attached by ClinVar (database versions not stated): ExAC 0.00032; gnomAD exomes 0.00033 and 0.00048; gnomAD 0.00038; TOPMed 0.00040; ESP Exome Variant Server 0.00054.
gnomAD v4.1: 759 of 1,613,886 alleles (0.047%); highest among the groups gnomAD compares: Middle Eastern, 0.082%; 1 homozygote.

Submissions (8):

CeGaT Center for Human Genetics Tuebingen
Classification: Uncertain significance. Last evaluated: 2025-12-01. Review status: criteria provided, single submitter. Criteria: CeGaT Center For Human Genetics Tuebingen Variant Classification Criteria Version 2. Collection method: clinical testing. Allele origin: germline. Affected: yes. Observed: 3 variant alleles.

PreventionGenetics, part of Exact Sciences
Classification: Uncertain significance for POLR1C-related condition. Last evaluated: 2025-11-17. Review status: criteria provided, single submitter. Criteria: ACMG Guidelines, 2015. Collection method: clinical testing. Allele origin: germline.
Comment: The POLR1C c.116C>T variant is predicted to result in the amino acid substitution p.Ala39Val. To our knowledge, this variant has not been reported in the literature. This variant is reported in 0.054% of alleles in individuals of European (Non-Finnish) descent in gnomAD. Although we suspect that this variant may be benign, at this time, the clinical significance of this variant is uncertain due to the absence of conclusive functional and genetic evidence.

Dasa
Classification: Uncertain significance. Last evaluated: 2025-11-10. Review status: criteria provided, single submitter. Criteria: DASA Assertion Criteria. Collection method: clinical testing. Allele origin: germline.
Comment: NM_203290.4(POLR1C):c.116C>T (p.Ala39Val) is a missense variant that results in the substitution of alanine with valine. This variant is rare in population databases. The currently available literature and clinical evidence are not sufficient to establish a definitive association between this variant and the reported condition. Therefore, this variant is classified as a variant of uncertain significance.

Blueprint Genetics
Classification: Uncertain significance. Last evaluated: 2024-11-01. Review status: criteria provided, single submitter. Criteria: ACMG Guidelines, 2015. Collection method: clinical testing. Allele origin: germline.

Women's Health and Genetics/Laboratory Corporation of America, LabCorp
Classification: Uncertain significance. Last evaluated: 2024-04-09. Review status: criteria provided, single submitter. Criteria: LabCorp Variant Classification Summary - May 2015. Collection method: clinical testing. Allele origin: germline.
Comment: Variant summary: POLR1C c.116C>T (p.Ala39Val) results in a non-conservative amino acid change in the encoded protein sequence. Three of five in-silico tools predict a benign effect of the variant on protein function. The variant allele was found at a frequency of 0.00033 in 251492 control chromosomes. To our knowledge, no occurrence of c.116C>T in individuals affected with POLR1C-Related Disorders and no experimental evidence demonstrating its impact on protein function have been reported. ClinVar contains an entry for this variant (Variation ID: 1202873). Based on the evidence outlined above, the variant was classified as uncertain significance.

Labcorp Genetics (formerly Invitae), Labcorp
Classification: Uncertain significance. Last evaluated: 2022-10-17. Review status: criteria provided, single submitter. Criteria: Invitae Variant Classification Sherloc (09022015). Collection method: clinical testing. Allele origin: germline.
Comment: This sequence change replaces alanine, which is neutral and non-polar, with valine, which is neutral and non-polar, at codon 39 of the POLR1C protein (p.Ala39Val). This variant is present in population databases (rs148236144, gnomAD 0.05%). This variant has not been reported in the literature in individuals affected with POLR1C-related conditions. ClinVar contains an entry for this variant (Variation ID: 1202873). Algorithms developed to predict the effect of missense changes on protein structure and function are either unavailable or do not agree on the potential impact of this missense change (SIFT: "Not Available"; PolyPhen-2: "Benign"; Align-GVGD: "Not Available"). In summary, the available evidence is currently insufficient to determine the role of this variant in disease. Therefore, it has been classified as a Variant of Uncertain Significance.

Fulgent Genetics
Classification: Uncertain significance for Treacher Collins syndrome 3; Leukodystrophy, hypomyelinating, 11. Last evaluated: 2021-07-15. Review status: criteria provided, single submitter. Criteria: ACMG Guidelines, 2015. Collection method: clinical testing. Allele origin: unknown.

GeneDx
Classification: Uncertain significance. Last evaluated: 2020-01-28. Review status: criteria provided, single submitter. Criteria: GeneDx Variant Classification Process June 2021. Collection method: clinical testing. Allele origin: germline. Affected: yes.
Comment: In silico analysis, which includes protein predictors and evolutionary conservation, supports that this variant does not alter protein structure/function; Has not been previously published as pathogenic or benign to our knowledge

NM_203290.4(POLR1C):c.116C>T (p.Ala39Val)

Gene: POLR1C (RNA polymerase I and III subunit C; plus strand). Cytogenetic location: 6p21.1.
Variant type: single nucleotide variant.
Coding change: c.116C>T on transcript NM_203290.4 (MANE Select); coding-DNA position 116, C replaced by T.
Protein change: p.Ala39Val; replaces alanine 39 with valine.
Molecular consequence: missense variant.
Genome position (GRCh38, 1-based): chr6:43,517,352, C>T. VCF-style: chr6-43517352-C-T. GRCh37 (hg19) VCF-style: chr6-43485090-C-T.
Other names: c.116C>T (NM_203290.3); c.116C>T, p.Ala39Val (NM_001318876.2, NM_001363658.2); short protein forms A39V.
Identifiers: ClinVar variation 1202873 (VCV001202873.46), dbSNP rs148236144, ClinGen allele CA3825319.